The following is an entry in ClinVar:

NM_003681.5(PDXK):c.376A>T (p.Met126Leu)

Gene: PDXK (pyridoxal kinase; plus strand). Cytogenetic location: 21q22.3.
Variant type: single nucleotide variant.
Coding change: c.376A>T on transcript NM_003681.5 (MANE Select); coding-DNA position 376, A replaced by T.
Protein change: p.Met126Leu; replaces methionine 126 with leucine.
Molecular consequence: missense variant.
Genome position (GRCh38, 1-based): chr21:43,746,123, A>T. VCF-style: chr21-43746123-A-T. GRCh37 (hg19) VCF-style: chr21-45166004-A-T.
Other names: c.256A>T, p.Met86Leu (NM_001331030.2); short protein forms M126L, M86L.
Identifiers: ClinVar variation 5006423 (VCV005006423.2).
Genomic context (GRCh38, chr21:43,746,123, plus strand): 5'-CCTTGTGTCTCTGCAGTGTGTGATCCAGTCTTGGGTGACAAGTGGGACGGCGAAGGCTCG[A>T]TGGTGAGTAGTTTCACGTGTGTGATTTAAAAGTGTGGTGAGTGGAGCTATTCCTGTCCAG-3'
Protein context (NP_003672.1, residues 116-136): LGDKWDGEGS[Met126Leu]YVPEDLLPVY

ClinVar aggregate classification (germline): Uncertain significance (1 of 4 stars; one submission).

Conditions:
Neuropathy, hereditary motor and sensory, type VIc, with optic atrophy. Also called: HMSN VIC; CHARCOT-MARIE-TOOTH DISEASE, TYPE 6C. Identifiers: MedGen C5193137, MONDO:0032792, OMIM 618511.

Submission:

Juno Genomics, Hangzhou Juno Genomics, Inc
Classification: Uncertain significance for Neuropathy, hereditary motor and sensory, type VIc, with optic atrophy. Review status: criteria provided, single submitter. Criteria: ACMG Guidelines, 2015. Collection method: clinical testing. Allele origin: germline.
Comment: Absent from controls (or at extremely low frequency if recessive) in Genome Aggregation Database.